The following is an entry in ClinVar:

NM_002470.4(MYH3):c.3138_3139delinsCA (p.Val1047Ile)

Gene: MYH3 (myosin heavy chain 3; minus strand). Cytogenetic location: 17p13.1.
Variant type: Indel.
Coding change: c.3138_3139delinsCA on transcript NM_002470.4 (MANE Select); coding-DNA positions 3138 to 3139, AG replaced by CA.
Protein change: p.Val1047Ile; replaces valine 1047 with isoleucine.
Molecular consequence: missense variant.
Genome position (GRCh38, 1-based): chr17:10,639,153-10,639,154, CT replaced by TG on the plus strand (AG replaced by CA on the coding strand, the reverse complement: MYH3 is on the minus strand). VCF-style: chr17-10639153-CT-TG. GRCh37 (hg19) VCF-style: chr17-10542470-CT-TG.
Other names: short protein forms V1047I.
Identifiers: ClinVar variation 1354392 (VCV001354392.6), dbSNP rs2142397817, ClinGen allele CA2573152950.
Genomic context (GRCh38, chr17:10,639,153, plus strand): 5'-TGGACTCTTGAGCAAGCTTCAAGTCTCCTTCCAATTTCCTTTTGTTCCTTTCCAGGTCTA[CT>TG]CGGAGCTTCTTTTCTTGTTCTAGGGAGCTTTCCAGCTGAAAAAGGCACCATTTCCTTTTG-3'
Protein context (NP_002461.2, residues 1037-1057): SSLEQEKKLR[Val1047Ile]DLERNKRKLE

ClinVar aggregate classification (germline): Uncertain significance (1 of 4 stars; one submission).

Submission:

Labcorp Genetics (formerly Invitae), Labcorp
Classification: Uncertain significance. Last evaluated: 2025-11-12. Review status: criteria provided, single submitter. Criteria: Invitae Variant Classification Sherloc (09022015). Collection method: clinical testing. Allele origin: germline.
Comment: This sequence change replaces valine, which is neutral and non-polar, with isoleucine, which is neutral and non-polar, at codon 1047 of the MYH3 protein (p.Val1047Ile). Information on the frequency of this variant in the gnomAD database is not available, as this variant may be reported differently in the database. This variant has not been reported in the literature in individuals affected with MYH3-related conditions. ClinVar contains an entry for this variant (Variation ID: 1354392). Experimental studies and prediction algorithms are not available or were not evaluated, and the functional significance of this variant is currently unknown. In summary, the available evidence is currently insufficient to determine the role of this variant in disease. Therefore, it has been classified as a Variant of Uncertain Significance.